The following is an entry in ClinVar:

ClinVar aggregate classification (germline): Uncertain significance (1 of 4 stars; one submission).

Submission:

GeneDx
Classification: Uncertain significance. Last evaluated: 2022-06-22. Review status: criteria provided, single submitter. Criteria: GeneDx Variant Classification Process June 2021. Collection method: clinical testing. Allele origin: germline. Affected: yes.
Comment: Not observed at significant frequency in large population cohorts (gnomAD); In silico analysis supports that this missense variant does not alter protein structure/function; Has not been previously published as pathogenic or benign to our knowledge

NM_152641.4(ARID2):c.1279G>C (p.Glu427Gln)

Gene: ARID2 (AT-rich interaction domain 2; plus strand). Cytogenetic location: 12q12.
Variant type: single nucleotide variant.
Coding change: c.1279G>C on transcript NM_152641.4 (MANE Select); coding-DNA position 1279, G replaced by C.
Protein change: p.Glu427Gln; replaces glutamic acid 427 with glutamine.
Molecular consequence: missense variant.
Genome position (GRCh38, 1-based): chr12:45,837,656, G>C. VCF-style: chr12-45837656-G-C. GRCh37 (hg19) VCF-style: chr12-46231439-G-C.
Other names: c.1279G>C, p.Glu427Gln (NM_001347839.2); short protein forms E427Q.
Identifiers: ClinVar variation 1806587 (VCV001806587.1), dbSNP rs2138132586, ClinGen allele CA384455536.